The following is an entry in ClinVar:

NM_000051.4(ATM):c.660G>A (p.Ala220=)

Gene: ATM (ATM serine/threonine kinase; plus strand). Cytogenetic location: 11q22.3.
Variant type: single nucleotide variant.
Coding change: c.660G>A on transcript NM_000051.4 (MANE Select); coding-DNA position 660, G replaced by A.
Protein change: p.Ala220=; no amino-acid change (alanine 220 retained).
Molecular consequence: synonymous variant.
Genome position (GRCh38, 1-based): chr11:108,244,116, G>A. VCF-style: chr11-108244116-G-A. GRCh37 (hg19) VCF-style: chr11-108114843-G-A.
Other names: c.660G>A, p.Ala220= (NM_001351834.2).
Identifiers: ClinVar variation 302243 (VCV000302243.32), dbSNP rs763669136, ClinGen allele CA6264642.
Genomic context (GRCh38, chr11:108,244,116, plus strand): 5'-TCAGACTGACGGATTAAATTCCAAATTTTTGGACTTTTTTTCCAAGGCTATTCAGTGTGC[G>A]AGGTAATCTAATCTCTTTTTCTTTTGTTTTGTATTGAAATACTTTTGATCTTGCAAGACC-3'
Protein context (NP_000042.3, residues 210-230): LDFFSKAIQC[Ala220=]RQEKSSSGLN

ClinVar aggregate classification (germline): Conflicting classifications of pathogenicity. Review status: criteria provided, conflicting classifications (1 of 4 stars). 9 submissions from 9 submitters: Uncertain significance (1); Benign (2); Likely benign (5). 1 of the submissions does not count toward it. Last evaluated 2026-01-18.

Conditions:
Familial cancer of breast. Also called: Hereditary breast cancer; BREAST CANCER, FAMILIAL; hereditary breast carcinoma. Identifiers: Orphanet 227535, MedGen C0346153, MONDO:0016419, OMIM 114480. Disease mechanism: loss of function.
Hereditary cancer-predisposing syndrome. Also called: Tumor predisposition; Hereditary Cancer Syndrome; Neoplastic Syndromes, Hereditary; Hereditary neoplastic syndrome. Identifiers: Orphanet 140162, MedGen C0027672, MeSH D009386, MONDO:0015356.
Ataxia-telangiectasia syndrome (AT). Also called: Ataxia telangiectasia (A-T); Ataxia-telangiectasia; Ataxia-telangiectasia, complementation group E; Ataxia-telangiectasia, complementation group D; AT, COMPLEMENTATION GROUP C; ATAXIA-TELANGIECTASIA, COMPLEMENTATION GROUP A. Identifiers: Orphanet 100, MedGen C0004135, MONDO:0008840, OMIM 208900.

Allele frequency attached by ClinVar (database versions not stated): TOPMed 0.00001; ExAC 0.00002; gnomAD exomes 0.00002.
gnomAD v4.1: 27 of 1,613,578 alleles (0.0017%); highest among the groups gnomAD compares: South Asian, 0.0022%; no homozygotes.

Submissions (9):

Labcorp Genetics (formerly Invitae), Labcorp
Classification: Likely benign for Ataxia-telangiectasia syndrome. Last evaluated: 2026-01-18. Review status: criteria provided, single submitter. Criteria: Invitae Variant Classification Sherloc (09022015). Collection method: clinical testing. Allele origin: germline.

Department of Pathology and Laboratory Medicine, Sinai Health System
Classification: Likely benign for Familial cancer of breast. Last evaluated: 2024-09-12. Review status: criteria provided, single submitter. Criteria: ACMG Guidelines, 2015. Collection method: clinical testing. Allele origin: germline. Affected: yes.

Myriad Genetics, Inc.
Classification: Benign for Familial cancer of breast. Last evaluated: 2024-04-22. Review status: criteria provided, single submitter. Criteria: Myriad Autosomal Dominant, Autosomal Recessive and X-Linked Classification Criteria (2023). Collection method: clinical testing. Allele origin: unknown.
Comment: This variant is considered benign. This variant is a silent/synonymous amino acid change and it is not expected to impact splicing.

Blueprint Genetics
Classification: Likely benign. Last evaluated: 2021-08-05. Review status: criteria provided, single submitter. Criteria: ACMG Guidelines, 2015. Collection method: clinical testing. Allele origin: germline.

Color Diagnostics, LLC DBA Color Health
Classification: Likely benign for Hereditary cancer-predisposing syndrome. Last evaluated: 2018-06-06. Review status: criteria provided, single submitter. Criteria: ACMG Guidelines, 2015. Collection method: clinical testing. Allele origin: germline.

Illumina Laboratory Services, Illumina
Classification: Uncertain significance for Ataxia-telangiectasia syndrome. Last evaluated: 2018-01-13. Review status: criteria provided, single submitter. Criteria: ICSL Variant Classification Criteria 13 December 2019. Collection method: clinical testing. Allele origin: germline.

Ambry Genetics
Classification: Likely benign for Hereditary cancer-predisposing syndrome. Last evaluated: 2015-10-07. Review status: criteria provided, single submitter. Criteria: Ambry Variant Classification Scheme 2023. Collection method: clinical testing. Allele origin: germline.

GeneDx
Classification: Benign. Last evaluated: 2015-03-03. Review status: criteria provided, single submitter. Criteria: GeneDx Variant Classification Process June 2021. Collection method: clinical testing. Allele origin: germline. Affected: yes.

Natera, Inc.
Classification: Likely benign for Ataxia-telangiectasia. Last evaluated: 2020-01-18. Review status: no assertion criteria provided. Collection method: clinical testing. Allele origin: germline. Not counted in ClinVar's aggregate classification.